The following is an entry in ClinVar:

ClinVar aggregate classification (germline): Uncertain significance (1 of 4 stars; one submission).

Conditions:
Spondyloenchondrodysplasia with immune dysregulation (SPENCDI). Also called: ROIFMAN IMMUNOSKELETAL SYNDROME; COMBINED IMMUNODEFICIENCY WITH AUTOIMMUNITY AND SPONDYLOMETAPHYSEAL DYSPLASIA; SPONDYLOENCHONDRODYSPLASIA WITH OR WITHOUT IMMUNE DYSREGULATION. Identifiers: Orphanet 1855, MedGen C1842763, MONDO:0011939, OMIM 607944.

Allele frequency attached by ClinVar (database versions not stated): gnomAD 0.00002 and 0.00003; gnomAD exomes 0.00002; ExAC 0.00003; TOPMed 0.00003; ESP Exome Variant Server 0.00023.
gnomAD v4.1: 43 of 1,614,082 alleles (0.0027%); highest among the groups gnomAD compares: Non-Finnish European, 0.0036%; no homozygotes.

Submission:

Labcorp Genetics (formerly Invitae), Labcorp
Classification: Uncertain significance for Spondyloenchondrodysplasia with immune dysregulation. Last evaluated: 2022-10-17. Review status: criteria provided, single submitter. Criteria: Invitae Variant Classification Sherloc (09022015). Collection method: clinical testing. Allele origin: germline.
Comment: In summary, the available evidence is currently insufficient to determine the role of this variant in disease. Therefore, it has been classified as a Variant of Uncertain Significance. Algorithms developed to predict the effect of missense changes on protein structure and function are either unavailable or do not agree on the potential impact of this missense change (SIFT: "Not Available"; PolyPhen-2: "Benign"; Align-GVGD: "Not Available"). ClinVar contains an entry for this variant (Variation ID: 850345). This variant has not been reported in the literature in individuals affected with ACP5-related conditions. This variant is present in population databases (rs375523195, gnomAD 0.005%). This sequence change replaces threonine, which is neutral and polar, with serine, which is neutral and polar, at codon 317 of the ACP5 protein (p.Thr317Ser).

NM_001611.5(ACP5):c.950C>G (p.Thr317Ser)

Gene: ACP5 (acid phosphatase 5, tartrate resistant; minus strand). Cytogenetic location: 19p13.2.
Variant type: single nucleotide variant.
Coding change: c.950C>G on transcript NM_001611.5 (MANE Select); coding-DNA position 950, C replaced by G.
Protein change: p.Thr317Ser; replaces threonine 317 with serine.
Molecular consequence: missense variant.
Genome position (GRCh38, 1-based): chr19:11,575,038, G>C on the plus strand (C>G on the coding strand, the complement: ACP5 is on the minus strand). VCF-style: chr19-11575038-G-C. GRCh37 (hg19) VCF-style: chr19-11685853-G-C.
Other names: c.950C>G, p.Thr317Ser (NM_001111034.3, NM_001111035.3, NM_001111036.3 and 1 more transcripts); short protein forms T317S.
Identifiers: ClinVar variation 850345 (VCV000850345.8), dbSNP rs375523195, ClinGen allele CA9215286.
Genomic context (GRCh38, chr19:11,575,038, plus strand): 5'-ATCGGGCCTCAGAGCTGGGCAGTCATGGGAGTTCAGGGCCTGGCTCGCCTCGGCAGCCTG[G>C]TCTTAAAGAGGGACTTGCCCGAGGCCTCGATGTAAGTGACAGTCATCTCTTTGGAGCTGA-3'
Protein context (NP_001602.1, residues 307-325): IEASGKSLFK[Thr317Ser]RLPRRARP